The following is an entry in ClinVar:

ClinVar aggregate classification (germline): Uncertain significance (1 of 4 stars; one submission).

Submission:

Labcorp Genetics (formerly Invitae), Labcorp
Classification: Uncertain significance. Last evaluated: 2023-05-23. Review status: criteria provided, single submitter. Criteria: Invitae Variant Classification Sherloc (09022015). Collection method: clinical testing. Allele origin: germline.
Comment: In summary, the available evidence is currently insufficient to determine the role of this variant in disease. Therefore, it has been classified as a Variant of Uncertain Significance. Algorithms developed to predict the effect of missense changes on protein structure and function output the following: SIFT: "Not Available"; PolyPhen-2: "Benign"; Align-GVGD: "Not Available". The asparagine amino acid residue is found in multiple mammalian species, which suggests that this missense change does not adversely affect protein function. This variant has not been reported in the literature in individuals affected with SERPING1-related conditions. This variant is not present in population databases (gnomAD no frequency). This sequence change replaces lysine, which is basic and polar, with asparagine, which is neutral and polar, at codon 307 of the SERPING1 protein (p.Lys307Asn).

NM_000062.3(SERPING1):c.921A>T (p.Lys307Asn)

Gene: SERPING1 (serpin family G member 1; plus strand). Cytogenetic location: 11q12.1.
Variant type: single nucleotide variant.
Coding change: c.921A>T on transcript NM_000062.3 (MANE Select); coding-DNA position 921, A replaced by T.
Protein change: p.Lys307Asn; replaces lysine 307 with asparagine.
Molecular consequence: missense variant.
Genome position (GRCh38, 1-based): chr11:57,606,439, A>T. VCF-style: chr11-57606439-A-T. GRCh37 (hg19) VCF-style: chr11-57373912-A-T.
Other names: c.921A>T, p.Lys307Asn (NM_001032295.2); short protein forms K307N.
Identifiers: ClinVar variation 2765382 (VCV002765382.3), dbSNP rs781097588, ClinGen allele CA380700255.